The following is an entry in ClinVar:

NM_020884.7(MYH7B):c.5467G>A (p.Glu1823Lys)

Gene: MYH7B (myosin heavy chain 7B; plus strand). Cytogenetic location: 20q11.22.
Variant type: single nucleotide variant.
Coding change: c.5467G>A on transcript NM_020884.7 (MANE Select); coding-DNA position 5467, G replaced by A.
Protein change: p.Glu1823Lys; replaces glutamic acid 1823 with lysine.
Molecular consequence: missense variant.
Genome position (GRCh38, 1-based): chr20:35,001,150, G>A. VCF-style: chr20-35001150-G-A. GRCh37 (hg19) VCF-style: chr20-33588953-G-A.
Other names: c.5593G>A (NM_020884.3, NM_020884.4); short protein forms E1823K.
Identifiers: ClinVar variation 1522709 (VCV001522709.10), dbSNP rs199823358, ClinGen allele CA9828568.

ClinVar aggregate classification (germline): Uncertain significance. Review status: criteria provided, multiple submitters, no conflicts (2 of 4 stars). 3 submissions from 3 submitters: Uncertain significance (3). Last evaluated 2026-03-04.

Conditions:
MYH7B-related disorder. Also called: MYH7B-related condition.

Allele frequency attached by ClinVar (database versions not stated): gnomAD exomes 0.00025 and 0.00082; ExAC 0.00026; gnomAD 0.00046 and 0.00050; ESP Exome Variant Server 0.00047; TOPMed 0.00049.
gnomAD v4.1: 1,242 of 1,613,638 alleles (0.077%); highest among the groups gnomAD compares: Non-Finnish European, 0.099%; 2 homozygotes.

Submissions (3):

PreventionGenetics, part of Exact Sciences
Classification: Uncertain significance for MYH7B-related condition. Last evaluated: 2026-03-04. Review status: criteria provided, single submitter. Criteria: ACMG Guidelines, 2015. Collection method: clinical testing. Allele origin: germline.
Comment: The MYH7B c.5593G>A variant is predicted to result in the amino acid substitution p.Glu1865Lys. To our knowledge, this variant has not been reported in the literature. This variant is reported in 0.054% of alleles in individuals of European (Non-Finnish) descent in gnomAD. Although we suspect that this variant may be benign, at this time, the clinical significance of this variant is uncertain due to the absence of conclusive functional and genetic evidence.

Labcorp Genetics (formerly Invitae), Labcorp
Classification: Uncertain significance. Last evaluated: 2026-01-12. Review status: criteria provided, single submitter. Criteria: Invitae Variant Classification Sherloc (09022015). Collection method: clinical testing. Allele origin: germline.
Comment: This sequence change replaces glutamic acid, which is acidic and polar, with lysine, which is basic and polar, at codon 1865 of the MYH7B protein (p.Glu1865Lys). This variant is present in population databases (rs199823358, gnomAD 0.05%), and has an allele count higher than expected for a pathogenic variant. This variant has not been reported in the literature in individuals affected with MYH7B-related conditions. ClinVar contains an entry for this variant (Variation ID: 1522709). Invitae Evidence Modeling of protein sequence and biophysical properties (such as structural, functional, and spatial information, amino acid conservation, physicochemical variation, residue mobility, and thermodynamic stability) indicates that this missense variant is expected to disrupt MYH7B protein function with a positive predictive value of 80%. In summary, the available evidence is currently insufficient to determine the role of this variant in disease. Therefore, it has been classified as a Variant of Uncertain Significance.

Ambry Genetics
Classification: Uncertain significance. Last evaluated: 2024-10-09. Review status: criteria provided, single submitter. Criteria: Ambry Variant Classification Scheme 2023. Collection method: clinical testing. Allele origin: germline.